The following is an entry in ClinVar:

ClinVar aggregate classification (germline): Likely pathogenic (1 of 4 stars; one submission).

Submission:

GeneDx
Classification: Likely pathogenic. Last evaluated: 2026-04-13. Review status: criteria provided, single submitter. Criteria: GeneDx Variant Classification Process June 2021. Collection method: clinical testing. Allele origin: germline.
Comment: Canonical splice site variant predicted to result in a null allele in a gene for which loss of function is a known mechanism of disease; Not observed at significant frequency in large population cohorts (gnomAD); Has not been previously published as pathogenic or benign to our knowledge; This variant is associated with the following publications: (PMID: 22335739, 32778822)

NM_001267550.2(TTN):c.55121-1G>T

Genes: TTN (titin; minus strand), TTN-AS1 (TTN antisense RNA 1; plus strand). Cytogenetic location: 2q31.2.
Variant type: single nucleotide variant.
Coding change: c.55121-1G>T on transcript NM_001267550.2 (MANE Select); the canonical splice acceptor site of the intron before coding-DNA position 55121, G replaced by T.
Molecular consequence: splice acceptor variant.
Genome position (GRCh38, 1-based): chr2:178,602,151, C>A on the plus strand (G>T on the coding strand, the complement: TTN is on the minus strand). VCF-style: chr2-178602151-C-A. GRCh37 (hg19) VCF-style: chr2-179466878-C-A.
Other names: c.27926-1G>T (NM_003319.4); c.28502-1G>T (NM_133437.4); c.28301-1G>T (NM_133432.3); c.47417-1G>T (NM_133378.4); c.50198-1G>T (NM_001256850.1).
Identifiers: ClinVar variation 5037701 (VCV005037701.1).